The following is an entry in ClinVar:

ClinVar aggregate classification (germline): Benign/Likely benign. Review status: criteria provided, multiple submitters, no conflicts (2 of 4 stars). 3 submissions from 3 submitters: Benign (1); Likely benign (2). Last evaluated 2024-11-15.

Conditions:
Hereditary cancer-predisposing syndrome. Also called: Hereditary neoplastic syndrome; Neoplastic Syndromes, Hereditary; Tumor predisposition; Hereditary Cancer Syndrome. Identifiers: Orphanet 140162, MedGen C0027672, MeSH D009386, MONDO:0015356.
Papillary renal cell carcinoma type 1 (RCCP1). Also called: Renal adenocarcinoma; Renal cell carcinoma 1; Renal cell carcinoma, somatic; RENAL CELL CARCINOMA, PAPILLARY, 1, SOMATIC. Identifiers: Orphanet 47044, MedGen C1336839, OMIM 605074, HP:0011797.
Renal cell carcinoma. Identifiers: Orphanet 217071, MedGen C0007134, MeSH D002292, MONDO:0005086, HP:0005584.

gnomAD v4.1: 2 of 1,613,940 alleles (0.00012%); highest among the groups gnomAD compares: Non-Finnish European, 0.00017%; no homozygotes.

Submissions (3):

Myriad Genetics, Inc.
Classification: Benign for Papillary renal cell carcinoma type 1. Last evaluated: 2024-11-15. Review status: criteria provided, single submitter. Criteria: Myriad Autosomal Dominant, Autosomal Recessive and X-Linked Classification Criteria (2023). Collection method: clinical testing. Allele origin: unknown.
Comment: This variant is considered benign. This variant is a silent/synonymous amino acid change and it is not expected to impact splicing.

Labcorp Genetics (formerly Invitae), Labcorp
Classification: Likely benign for Renal cell carcinoma. Last evaluated: 2024-05-15. Review status: criteria provided, single submitter. Criteria: Invitae Variant Classification Sherloc (09022015). Collection method: clinical testing. Allele origin: germline.

Ambry Genetics
Classification: Likely benign for Hereditary cancer-predisposing syndrome. Last evaluated: 2023-12-11. Review status: criteria provided, single submitter. Criteria: Ambry Variant Classification Scheme 2023. Collection method: clinical testing. Allele origin: germline.

NM_000245.4(MET):c.4086C>G (p.Val1362=)

Gene: MET (MET proto-oncogene, receptor tyrosine kinase; plus strand). Cytogenetic location: 7q31.2.
Variant type: single nucleotide variant.
Coding change: c.4086C>G on transcript NM_000245.4 (MANE Select); coding-DNA position 4086, C replaced by G.
Protein change: p.Val1362=; no amino-acid change (valine 1362 retained).
Molecular consequence: synonymous variant.
Genome position (GRCh38, 1-based): chr7:116,796,037, C>G. VCF-style: chr7-116796037-C-G. GRCh37 (hg19) VCF-style: chr7-116436091-C-G.
Other names: c.4140C>G (NM_001127500.1); c.4140C>G, p.Val1380= (NM_001127500.3); c.2796C>G, p.Val932= (NM_001324402.2).
Identifiers: ClinVar variation 1124926 (VCV001124926.11), dbSNP rs753757242, ClinGen allele CA457462629.